The following is an entry in ClinVar:

ClinVar aggregate classification (germline): Benign. Review status: criteria provided, multiple submitters, no conflicts (2 of 4 stars). 4 submissions from 4 submitters: Benign (4). Last evaluated 2026-02-01.

Allele frequency attached by ClinVar (database versions not stated): gnomAD exomes 0.07054; ExAC 0.07629; 1000 Genomes Project 0.11122; gnomAD 0.11180 and 0.11754; 1000 Genomes Project 30x 0.11852; TOPMed 0.12028; ESP Exome Variant Server 0.12269.
gnomAD v4.1: 117,205 of 1,613,842 alleles (7.3%); highest among the groups gnomAD compares: African/African-American, 25%; 5,717 homozygotes.

Submissions (4):

Labcorp Genetics (formerly Invitae), Labcorp
Classification: Benign. Last evaluated: 2026-02-01. Review status: criteria provided, single submitter. Criteria: Invitae Variant Classification Sherloc (09022015). Collection method: clinical testing. Allele origin: germline.

Mayo Clinic Laboratories, Mayo Clinic
Classification: Benign. Last evaluated: 2019-01-03. Review status: criteria provided, single submitter. Criteria: ACMG Guidelines, 2015. Collection method: clinical testing. Allele origin: germline. Observed: 6 variant alleles.

GeneDx
Classification: Benign. Last evaluated: 2015-12-21. Review status: criteria provided, single submitter. Criteria: GeneDx Variant Classification (06012015). Collection method: clinical testing. Allele origin: germline. Affected: yes.
Comment: This variant is considered likely benign or benign based on one or more of the following criteria: it is a conservative change, it occurs at a poorly conserved position in the protein, it is predicted to be benign by multiple in silico algorithms, and/or has population frequency not consistent with disease.

Breakthrough Genomics
Classification: Benign. Review status: criteria provided, single submitter. Criteria: ACMG Guidelines, 2015. Collection method: not provided. Allele origin: germline. Inheritance: Autosomal recessive inheritance. Affected: yes.

NM_152713.5(STT3A):c.1911C>T (p.Cys637=)

Gene: STT3A (STT3 oligosaccharyltransferase complex catalytic subunit A; plus strand). Cytogenetic location: 11q24.2.
Variant type: single nucleotide variant.
Coding change: c.1911C>T on transcript NM_152713.5 (MANE Select); coding-DNA position 1911, C replaced by T.
Protein change: p.Cys637=; no amino-acid change (cysteine 637 retained).
Molecular consequence: synonymous variant.
Genome position (GRCh38, 1-based): chr11:125,618,509, C>T. VCF-style: chr11-125618509-C-T. GRCh37 (hg19) VCF-style: chr11-125488404-C-T.
Other names: p.Cys637=; c.1911C>T, p.Cys637= (NM_001278503.2); c.1635C>T, p.Cys545= (NM_001278504.2).
Identifiers: ClinVar variation 380017 (VCV000380017.12), dbSNP rs17140116, ClinGen allele CA6349176.